The following is an entry in ClinVar:

NM_003242.6(TGFBR2):c.-13A>C

Gene: TGFBR2 (transforming growth factor beta receptor 2; plus strand). Cytogenetic location: 3p24.1.
Variant type: single nucleotide variant.
Coding change: c.-13A>C on transcript NM_003242.6 (MANE Select); 13 bases upstream of the start codon, A replaced by C.
Molecular consequence: 5 prime UTR variant.
Genome position (GRCh38, 1-based): chr3:30,606,871, A>C. VCF-style: chr3-30606871-A-C. GRCh37 (hg19) VCF-style: chr3-30648363-A-C.
Other names: c.-13A>C (NM_001024847.3, NM_001407126.1, NM_001407127.1 and 4 more transcripts); c.-296A>C (NM_001407133.1); c.-174A>C (NM_001407134.1); c.-221A>C (NM_001407135.1); c.-306A>C (NM_001407136.1).
Identifiers: ClinVar variation 915707 (VCV000915707.4), dbSNP rs1697931973, ClinGen allele CA1139657939.
Genomic context (GRCh38, chr3:30,606,871, plus strand): 5'-CGCAGCCAGGGGTCCGGGAAGGCGCCGTCCGCTGCGCTGGGGGCTCGGTCTATGACGAGC[A>C]GCGGGGTCTGCCATGGGTCGGGGGCTGCTCAGGGGCCTGTGGCCGCTGCACATCGTCCTG-3'

ClinVar aggregate classification (germline): Conflicting classifications of pathogenicity. Review status: criteria provided, conflicting classifications (1 of 4 stars). 2 submissions from 2 submitters: Uncertain significance (1); Likely benign (1). Last evaluated 2018-03-15.

Conditions:
Diabetic retinopathy. Identifiers: MedGen C0011884, MONDO:0005266.
Familial thoracic aortic aneurysm and aortic dissection (TAAD). Also called: Thoracic aortic aneurysms and dissections. Identifiers: Orphanet 91387, MedGen C4707243, MONDO:0019625.

Submissions (2):

CHEO Genetics Diagnostic Laboratory, Children's Hospital of Eastern Ontario
Classification: Uncertain significance for Familial thoracic aortic aneurysm and aortic dissection. Last evaluated: 2018-03-15. Review status: criteria provided, single submitter. Criteria: ACMG Guidelines, 2015. Collection method: clinical testing. Allele origin: germline.

Clinical Genomics, Uppaluri K&H Personalized Medicine Clinic
Classification: Likely benign for Diabetic retinopathy. Review status: criteria provided, single submitter. Criteria: K And H Uppaluri Personalized Medicine Clinic Variant Classification And Assertion Criteria Updated V 2. Collection method: research. Allele origin: unknown.
Comment: Potent mutations in TGFBR2 gene encodes the transforming growth factor that have been associated with angiogenesis and diabetic retinopathy. More clinical studies are needed for stronger association. However, more evidence is required to confer the association of this particular variant rs1697931973 with diabetic retinopathy.

Literature cited by the submitters: PubMed 30222965 (cited by Clinical Genomics, Uppaluri K&H Personalized Medicine Clinic); PubMed 28162229 (cited by Clinical Genomics, Uppaluri K&H Personalized Medicine Clinic); PubMed 34572573 (cited by Clinical Genomics, Uppaluri K&H Personalized Medicine Clinic).